The following is an entry in ClinVar:

ClinVar aggregate classification (germline): Uncertain significance (1 of 4 stars; one submission).

Conditions:
Jeune thoracic dystrophy. Also called: Jeune syndrome; Infantile thoracic dystrophy; Thoracic pelvic phalangeal dystrophy; Jeune's syndrome; Chondroectodermal dysplasia-like syndrome; Short-rib thoracic dysplasia. Identifiers: Orphanet 474, MedGen C0265275, MONDO:0018770.

gnomAD v4.1: 3 of 1,564,890 alleles (0.00019%); highest among the groups gnomAD compares: Non-Finnish European, 0.00017%; no homozygotes.

Submission:

Labcorp Genetics (formerly Invitae), Labcorp
Classification: Uncertain significance for Jeune thoracic dystrophy. Last evaluated: 2026-01-04. Review status: criteria provided, single submitter. Criteria: Invitae Variant Classification Sherloc (09022015). Collection method: clinical testing. Allele origin: germline.
Comment: This sequence change replaces glutamic acid, which is acidic and polar, with aspartic acid, which is acidic and polar, at codon 1085 of the DYNC2H1 protein (p.Glu1085Asp). This variant is not present in population databases (gnomAD no frequency). This variant has not been reported in the literature in individuals affected with DYNC2H1-related conditions. Invitae Evidence Modeling of protein sequence and biophysical properties (such as structural, functional, and spatial information, amino acid conservation, physicochemical variation, residue mobility, and thermodynamic stability) indicates that this missense variant is not expected to disrupt DYNC2H1 protein function with a negative predictive value of 95%. In summary, the available evidence is currently insufficient to determine the role of this variant in disease. Therefore, it has been classified as a Variant of Uncertain Significance.

NM_001377.3(DYNC2H1):c.3255G>T (p.Glu1085Asp)

Gene: DYNC2H1 (dynein cytoplasmic 2 heavy chain 1; plus strand). Cytogenetic location: 11q22.3.
Variant type: single nucleotide variant.
Coding change: c.3255G>T on transcript NM_001377.3 (MANE Select); coding-DNA position 3255, G replaced by T.
Protein change: p.Glu1085Asp; replaces glutamic acid 1085 with aspartic acid.
Molecular consequence: missense variant.
Genome position (GRCh38, 1-based): chr11:103,153,461, G>T. VCF-style: chr11-103153461-G-T. GRCh37 (hg19) VCF-style: chr11-103024190-G-T.
Other names: c.3255G>T, p.Glu1085Asp (NM_001080463.2); short protein forms E1085D.
Identifiers: ClinVar variation 4810621 (VCV004810621.1).